The following is an entry in ClinVar:

NM_004304.5(ALK):c.4251C>A (p.Asp1417Glu)

Gene: ALK (ALK receptor tyrosine kinase; minus strand). Cytogenetic location: 2p23.2.
Variant type: single nucleotide variant.
Coding change: c.4251C>A on transcript NM_004304.5 (MANE Select); coding-DNA position 4251, C replaced by A.
Protein change: p.Asp1417Glu; replaces aspartic acid 1417 with glutamic acid.
Molecular consequence: missense variant.
Genome position (GRCh38, 1-based): chr2:29,193,836, G>T on the plus strand (C>A on the coding strand, the complement: ALK is on the minus strand). VCF-style: chr2-29193836-G-T. GRCh37 (hg19) VCF-style: chr2-29416702-G-T.
Other names: c.1047C>A, p.Asp349Glu (NM_001353765.2); short protein forms D349E, D1417E.
Identifiers: ClinVar variation 2452140 (VCV002452140.2), dbSNP rs1668953049, ClinGen allele CA346463049.

ClinVar aggregate classification (germline): Uncertain significance (1 of 4 stars; one submission).

Conditions:
Hereditary cancer-predisposing syndrome. Also called: Neoplastic Syndromes, Hereditary; Tumor predisposition; Hereditary neoplastic syndrome; Hereditary Cancer Syndrome. Identifiers: Orphanet 140162, MedGen C0027672, MeSH D009386, MONDO:0015356.

Submission:

Ambry Genetics
Classification: Uncertain significance for Hereditary cancer-predisposing syndrome. Last evaluated: 2023-03-04. Review status: criteria provided, single submitter. Criteria: Ambry Variant Classification Scheme 2023. Collection method: clinical testing. Allele origin: germline.
Comment: The p.D1417E variant (also known as c.4251C>A), located in coding exon 29 of the ALK gene, results from a C to A substitution at nucleotide position 4251. The aspartic acid at codon 1417 is replaced by glutamic acid, an amino acid with highly similar properties. This amino acid position is conserved. In addition, this alteration is predicted to be tolerated by in silico analysis. Since supporting evidence is limited at this time, the clinical significance of this alteration remains unclear.